The following is an entry in ClinVar:

NM_020975.6(RET):c.2307G>T (p.Leu769=)

Gene: RET (ret proto-oncogene; plus strand). Cytogenetic location: 10q11.21.
Variant type: single nucleotide variant.
Coding change: c.2307G>T on transcript NM_020975.6 (MANE Select); coding-DNA position 2307, G replaced by T.
Protein change: p.Leu769=; no amino-acid change (leucine 769 retained).
Molecular consequence: synonymous variant.
Genome position (GRCh38, 1-based): chr10:43,118,395, G>T. VCF-style: chr10-43118395-G-T. GRCh37 (hg19) VCF-style: chr10-43613843-G-T.
Other names: c.2307G>T, p.Leu769= (NM_000323.2, NM_001406743.1, NM_001406744.1 and 4 more transcripts); c.1545G>T, p.Leu515= (NM_001355216.2); c.2178G>T, p.Leu726= (NM_001406761.1, NM_001406762.1, NM_001406764.1); c.2172G>T, p.Leu724= (NM_001406763.1, NM_001406765.1); c.2019G>T, p.Leu673= (NM_001406766.1, NM_001406767.1, NM_001406770.1); c.2043G>T, p.Leu681= (NM_001406768.1); c.1911G>T, p.Leu637= (NM_001406769.1, NM_001406772.1); c.1869G>T, p.Leu623= (NM_001406771.1, NM_001406773.1); and 11 more.
Identifiers: ClinVar variation 167590 (VCV000167590.32), dbSNP rs1800861, ClinGen allele CA010233.

ClinVar aggregate classification (germline): Benign. Review status: criteria provided, multiple submitters, no conflicts (2 of 4 stars). 13 submissions from 11 submitters: Benign (11). 2 of the submissions do not count toward it. Last evaluated 2026-02-04.

Conditions:
Pheochromocytoma. Also called: MAX-Related Hereditary Paraganglioma-Pheochromocytoma Syndrome. Identifiers: Orphanet 29072, MedGen C0031511, MONDO:0008233, OMIM 171300, HP:0002666.
Multiple endocrine neoplasia type 2B. Also called: MEN 2B; MEN IIB; NEUROMATA, MUCOSAL, WITH ENDOCRINE TUMORS; MUCOSAL NEUROMA SYNDROME; WAGENMANN-FROBOESE SYNDROME; MULTIPLE ENDOCRINE NEOPLASIA, TYPE III. Identifiers: Orphanet 247709, Orphanet 653, MedGen C0025269, MeSH D018814, MONDO:0008082, OMIM 162300.
Multiple endocrine neoplasia type 2A. Also called: MULTIPLE ENDOCRINE NEOPLASIA, TYPE IIA; PTC SYNDROME; SIPPLE SYNDROME; MEN 2A; MEN-2A syndrome; Pheochromocytoma and amyloid producing medullary thyroid carcinoma. Identifiers: Orphanet 247698, Orphanet 653, MedGen C0025268, MeSH D018813, MONDO:0008234, OMIM 171400.
Hereditary cancer-predisposing syndrome. Also called: Tumor predisposition; Neoplastic Syndromes, Hereditary; Hereditary neoplastic syndrome; Hereditary Cancer Syndrome. Identifiers: Orphanet 140162, MedGen C0027672, MeSH D009386, MONDO:0015356.
Multiple endocrine neoplasia, type 2 (MEN2). Identifiers: Orphanet 653, MedGen C4048306, MONDO:0019003. Disease mechanism: gain of function.

Allele frequency attached by ClinVar (database versions not stated): 1000 Genomes Project 0.71246; 1000 Genomes Project 30x 0.72689; gnomAD exomes 0.73921 and 0.75576; gnomAD 0.79547 and 0.78487; ESP Exome Variant Server 0.80263; ExAC 0.74191; TOPMed 0.79215.
gnomAD v4.1: 1,222,984 of 1,613,240 alleles (76%); highest among the groups gnomAD compares: African/African-American, 88%; 467,321 homozygotes.

Submissions (13):

Labcorp Genetics (formerly Invitae), Labcorp
Classification: Benign for Multiple endocrine neoplasia, type 2. Last evaluated: 2026-02-04. Review status: criteria provided, single submitter. Criteria: Invitae Variant Classification Sherloc (09022015). Collection method: clinical testing. Allele origin: germline.

GeneKor MSA
Classification: Benign for Hereditary cancer-predisposing syndrome. Last evaluated: 2025-07-10. Review status: criteria provided, single submitter. Criteria: ACMG Guidelines, 2015. Collection method: clinical testing. Allele origin: germline.

Myriad Genetics, Inc.
Classification: Benign for Multiple endocrine neoplasia type 2A. Last evaluated: 2025-02-26. Review status: criteria provided, single submitter. Criteria: Myriad Autosomal Dominant, Autosomal Recessive and X-Linked Classification Criteria (2023). Collection method: clinical testing. Allele origin: unknown.
Comment: This variant is considered benign. This variant is a silent/synonymous amino acid change and it is not expected to impact splicing.

Blueprint Genetics
Classification: Benign. Last evaluated: 2024-11-27. Review status: criteria provided, single submitter. Criteria: ACMG Guidelines, 2015. Collection method: clinical testing. Allele origin: germline.

Genome-Nilou Lab
Classification: Benign for Multiple endocrine neoplasia type 2A. Last evaluated: 2021-11-07. Review status: criteria provided, single submitter. Criteria: ACMG Guidelines, 2015. Collection method: clinical testing. Allele origin: germline. Affected: no.

Genome-Nilou Lab
Classification: Benign for Multiple endocrine neoplasia type 2B. Last evaluated: 2021-11-07. Review status: criteria provided, single submitter. Criteria: ACMG Guidelines, 2015. Collection method: clinical testing. Allele origin: germline. Affected: no.

Genome-Nilou Lab
Classification: Benign for Pheochromocytoma. Last evaluated: 2021-11-07. Review status: criteria provided, single submitter. Criteria: ACMG Guidelines, 2015. Collection method: clinical testing. Allele origin: germline. Affected: no.

Color Diagnostics, LLC DBA Color Health
Classification: Benign for Multiple endocrine neoplasia, type 2. Last evaluated: 2019-03-28. Review status: criteria provided, single submitter. Criteria: ACMG Guidelines, 2015. Collection method: clinical testing. Allele origin: germline.

Eurofins Ntd Llc (ga)
Classification: Benign. Last evaluated: 2016-03-23. Review status: criteria provided, single submitter. Criteria: EGL Classification Definitions 2015. Collection method: clinical testing. Allele origin: germline. Observed: 118 variant alleles, 54 heterozygotes, 64 homozygotes.

Laboratory for Molecular Medicine, Mass General Brigham Personalized Medicine
Classification: Benign. Last evaluated: 2013-10-11. Review status: criteria provided, single submitter. Criteria: LMM Criteria. Collection method: clinical testing. Allele origin: germline. Observed: 99 variant alleles.
Comment: Leu769Leu in exon 13 of RET: This variant is not expected to have clinical signi ficance because it has been identified in 23% (2018/8600) of European American c hromosomes by the NHLBI Exome Sequencing Project (VS/; dbSNP rs1800861).

Breakthrough Genomics
Classification: Benign. Review status: criteria provided, single submitter. Criteria: ACMG Guidelines, 2015. Collection method: not provided. Allele origin: germline. Inheritance: Autosomal dominant inheritance. Affected: yes.

Clinical Genetics DNA and cytogenetics Diagnostics Lab, Erasmus MC, Erasmus Medical Center
Classification: Likely benign. Review status: no assertion criteria provided. Collection method: clinical testing. Allele origin: germline. Affected: yes. Study: VKGL Data-share Consensus. Not counted in ClinVar's aggregate classification.

Diagnostic Laboratory, Department of Genetics, University Medical Center Groningen
Classification: Benign. Review status: no assertion criteria provided. Collection method: clinical testing. Allele origin: germline. Affected: yes. Study: VKGL Data-share Consensus. Not counted in ClinVar's aggregate classification.